The following is an entry in ClinVar:

ClinVar aggregate classification (germline): Likely pathogenic (1 of 4 stars; one submission).

Submission:

Quest Diagnostics Nichols Institute San Juan Capistrano
Classification: Likely pathogenic. Last evaluated: 2025-09-09. Review status: criteria provided, single submitter. Criteria: Quest Diagnostics criteria. Collection method: clinical testing. Allele origin: unknown.
Comment: The NF1 c.1907del (p.Ser636Leufs*52) variant alters the translational reading frame of the NF1 mRNA and is predicted to cause the premature termination of NF1 protein synthesis. This variant has not been reported in individuals with NF1-related conditions in the published literature. This variant has not been reported in large, multi-ethnic general populations (Genome Aggregation Database). Based on the available information, this variant is classified as likely pathogenic.

NM_001042492.3(NF1):c.1907del (p.Ser636fs)

Gene: NF1 (neurofibromin 1; plus strand). Cytogenetic location: 17q11.2.
Variant type: Deletion.
Coding change: c.1907del on transcript NM_001042492.3 (MANE Select); coding-DNA position 1907, one base deleted (C; older notation c.1907delC).
Protein change: p.Ser636fs; shifts the reading frame from serine 636.
Molecular consequence: frameshift variant.
Genome position (GRCh38, 1-based): chr17:31,225,156, C deleted. VCF-style (leftmost placement, unchanged base first): chr17-31225155-TC-T. GRCh37 (hg19) VCF-style: chr17-29552173-TC-T.
Other names: c.1907delC, p.Ser636Leufs (NM_000267.3); c.1907del, p.Ser636fs (NM_000267.4); short protein forms S636fs.
Identifiers: ClinVar variation 4532906 (VCV004532906.1).